The following is an entry in ClinVar:

NM_020964.3(EPG5):c.676G>A (p.Glu226Lys)

Gene: EPG5 (ectopic P-granules 5 autophagy tethering factor; minus strand). Cytogenetic location: 18q21.1.
Variant type: single nucleotide variant.
Coding change: c.676G>A on transcript NM_020964.3 (MANE Select); coding-DNA position 676, G replaced by A.
Protein change: p.Glu226Lys; replaces glutamic acid 226 with lysine.
Molecular consequence: missense variant.
Genome position (GRCh38, 1-based): chr18:45,954,726, C>T on the plus strand (G>A on the coding strand, the complement: EPG5 is on the minus strand). VCF-style: chr18-45954726-C-T. GRCh37 (hg19) VCF-style: chr18-43534692-C-T.
Other names: short protein forms E226K.
Identifiers: ClinVar variation 937208 (VCV000937208.8), dbSNP rs776920434, ClinGen allele CA8949910.

ClinVar aggregate classification (germline): Uncertain significance (1 of 4 stars; one submission).

Conditions:
Vici syndrome (VICIS). Identifiers: Orphanet 1493, MedGen C1855772, MONDO:0009452, OMIM 242840.

Allele frequency attached by ClinVar (database versions not stated): ExAC 0.00001; gnomAD exomes 0.00001.
gnomAD v4.1: 12 of 1,614,064 alleles (0.00074%); highest among the groups gnomAD compares: South Asian, 0.013%; 1 homozygote.

Submission:

Labcorp Genetics (formerly Invitae), Labcorp
Classification: Uncertain significance for Vici syndrome. Last evaluated: 2021-08-31. Review status: criteria provided, single submitter. Criteria: Invitae Variant Classification Sherloc (09022015). Collection method: clinical testing. Allele origin: germline.
Comment: This sequence change replaces glutamic acid with lysine at codon 226 of the EPG5 protein (p.Glu226Lys). The glutamic acid residue is moderately conserved and there is a small physicochemical difference between glutamic acid and lysine. This variant is present in population databases (rs776920434, ExAC 0.006%). This variant has not been reported in the literature in individuals affected with EPG5-related conditions. Algorithms developed to predict the effect of missense changes on protein structure and function (SIFT, PolyPhen-2, Align-GVGD) all suggest that this variant is likely to be tolerated. In summary, the available evidence is currently insufficient to determine the role of this variant in disease. Therefore, it has been classified as a Variant of Uncertain Significance.